The following is an entry in ClinVar:

ClinVar aggregate classification (germline): Pathogenic/Likely pathogenic. Review status: criteria provided, multiple submitters, no conflicts (2 of 4 stars). 3 submissions from 3 submitters: Pathogenic (2); Likely pathogenic (1). Last evaluated 2025-03-31.

Conditions:
GRIN2B-related disorder. Also called: GRIN2B-related condition.
Intellectual developmental disorder, autosomal dominant 6, with or without seizures. Also called: Intellectual disability, autosomal dominant 6; GRIN2B-related developmental delay, intellectual disability and autism spectrum disorder. Identifiers: Orphanet 589547, MedGen C3151411, MONDO:0013509, OMIM 613970.

Submissions (3):

PreventionGenetics, part of Exact Sciences
Classification: Likely pathogenic for GRIN2B-related condition. Last evaluated: 2025-03-31. Review status: criteria provided, single submitter. Criteria: ACMG Guidelines, 2015. Collection method: clinical testing. Allele origin: germline.
Comment: The GRIN2B c.1931C>A variant is predicted to result in the amino acid substitution p.Ala644Asp. This variant has been reported to have occurred de novo in a newborn undergoing trio- whole exome sequencing (WES) for seizures and/or encephalopathy (Table S3, van der Ven et al. 2021. PubMed ID: 34490615). This variant has not been reported in a large population database (gnomAD), indicating it is rare. A different missense change impacting the same amino acid (c.1930G>A, p.Ala644Thr) has also been reported to have occurred de novo in an individual undergoing trio-WES for polymicrogyria (Individual BFP2801 in Table S2, Akula et al. 2023. PubMed ID: 37486637). Taken together, the c.1931C>A (p.Ala644Asp) variant is interpreted as likely pathogenic.

GeneDx
Classification: Pathogenic. Last evaluated: 2022-05-14. Review status: criteria provided, single submitter. Criteria: GeneDx Variant Classification Process June 2021. Collection method: clinical testing. Allele origin: germline. Affected: yes.
Comment: Not observed at significant frequency in large population cohorts (gnomAD); In silico analysis supports that this missense variant has a deleterious effect on protein structure/function; Has not been previously published as pathogenic or benign to our knowledge; This variant is associated with the following publications: (PMID: 27839871)

Pittsburgh Clinical Genomics Laboratory, University of Pittsburgh Medical Center
Classification: Pathogenic for Intellectual developmental disorder, autosomal dominant 6, with or without seizures. Last evaluated: 2021-07-02. Review status: criteria provided, single submitter. Criteria: ACMG Guidelines, 2015. Collection method: clinical testing. Allele origin: germline. Inheritance: Autosomal dominant inheritance. Affected: yes.
Comment: This sequence variant is a single nucleotide substitution (C>A) at position 1931 of the coding sequence of the GRIN2B gene that results in an alanine to aspartic acid amino acid change at residue 644 of the GluN2B protein. The GluN2B protein is a subunit of many NMDA receptors and when GluN2B is incorporated into a NMDA receptor the Ala644 residue is located in a transmembrane domain which plays a critical role the receptor's function (PMID: 28377535). This variant is absent from control population datasets (gnomAD database) and online datasets of clinically annotated variants (ClinVar). To our knowledge, this variant has not been observed in publications in individuals with GRIN2B-related disease. Multiple bioinformatic tools predict that this alanine to aspartic acid amino acid change would be damaging, and the Ala644 residue is strongly conserved across the vertebrate species examined. Studies examining the functiol consequence of this variant have not been published, to our knowledge. Given this information, we consider this to be a pathogenic variant. ACMG Criteria: PM1, PM2, PP2, PP3, PS2

Literature cited by the submitters: PubMed 28377535 (cited by Pittsburgh Clinical Genomics Laboratory, University of Pittsburgh Medical Center).

NM_000834.5(GRIN2B):c.1931C>A (p.Ala644Asp)

Gene: GRIN2B (glutamate ionotropic receptor NMDA type subunit 2B; minus strand). Cytogenetic location: 12p13.1.
Variant type: single nucleotide variant.
Coding change: c.1931C>A on transcript NM_000834.5 (MANE Select); coding-DNA position 1931, C replaced by A.
Protein change: p.Ala644Asp; replaces alanine 644 with aspartic acid.
Molecular consequence: missense variant.
Genome position (GRCh38, 1-based): chr12:13,608,682, G>T on the plus strand (C>A on the coding strand, the complement: GRIN2B is on the minus strand). VCF-style: chr12-13608682-G-T. GRCh37 (hg19) VCF-style: chr12-13761616-G-T.
Other names: c.1931C>A (NM_000834.4); c.1931C>A, p.Ala644Asp (NM_001413992.1); short protein forms A644D.
Identifiers: ClinVar variation 1800708 (VCV001800708.3), dbSNP rs2497583126, ClinGen allele CA384051010.